The following is an entry in ClinVar:

ClinVar aggregate classification (germline): Uncertain significance (1 of 4 stars; one submission).

Allele frequency attached by ClinVar (database versions not stated): gnomAD exomes below 0.00001 and 0.00001; gnomAD 0.00001.
gnomAD v4.1: 7 of 1,614,020 alleles (0.00043%); highest among the groups gnomAD compares: Non-Finnish European, 0.00059%; no homozygotes.

Submission:

Labcorp Genetics (formerly Invitae), Labcorp
Classification: Uncertain significance. Last evaluated: 2025-10-22. Review status: criteria provided, single submitter. Criteria: Invitae Variant Classification Sherloc (09022015). Collection method: clinical testing. Allele origin: germline.
Comment: This sequence change replaces threonine, which is neutral and polar, with isoleucine, which is neutral and non-polar, at codon 57 of the NDUFA9 protein (p.Thr57Ile). This variant is present in population databases (no rsID available, gnomAD 0.002%). This variant has not been reported in the literature in individuals affected with NDUFA9-related conditions. ClinVar contains an entry for this variant (Variation ID: 1434781). An algorithm developed to predict the effect of missense changes on protein structure and function (PolyPhen-2) suggests that this variant is likely to be disruptive. In summary, the available evidence is currently insufficient to determine the role of this variant in disease. Therefore, it has been classified as a Variant of Uncertain Significance.

NM_005002.5(NDUFA9):c.170C>T (p.Thr57Ile)

Gene: NDUFA9 (NADH:ubiquinone oxidoreductase subunit A9; plus strand). Cytogenetic location: 12p13.32.
Variant type: single nucleotide variant.
Coding change: c.170C>T on transcript NM_005002.5 (MANE Select); coding-DNA position 170, C replaced by T.
Protein change: p.Thr57Ile; replaces threonine 57 with isoleucine.
Molecular consequence: missense variant.
Genome position (GRCh38, 1-based): chr12:4,654,412, C>T. VCF-style: chr12-4654412-C-T. GRCh37 (hg19) VCF-style: chr12-4763578-C-T.
Other names: short protein forms T57I.
Identifiers: ClinVar variation 1434781 (VCV001434781.6), dbSNP rs1165725432, ClinGen allele CA383448509.
Genomic context (GRCh38, chr12:4,654,412, plus strand): 5'-ATCATGCCCTCATGCCTCATGGGAAAGGTGGACGTTCCTCAGTCAGTGGGATTGTGGCCA[C>T]TGTGTTTGGAGCAACAGGATTCCTGGGGCGATATGTTGTCAACCACCTTGGTAAGTAAAG-3'
Protein context (NP_004993.1, residues 47-67): GRSSVSGIVA[Thr57Ile]VFGATGFLGR